The following is an entry in ClinVar:

ClinVar aggregate classification (germline): Uncertain significance (1 of 4 stars; one submission).

Allele frequency attached by ClinVar (database versions not stated): gnomAD 0.00001 and 0.00002; TOPMed 0.00002; gnomAD exomes 0.00003 and 0.00005; ExAC 0.00006; ESP Exome Variant Server 0.00008; 1000 Genomes Project 30x 0.00016; 1000 Genomes Project 0.00020.
gnomAD v4.1: 49 of 1,614,120 alleles (0.003%); highest among the groups gnomAD compares: South Asian, 0.0066%; no homozygotes.

Submission:

Labcorp Genetics (formerly Invitae), Labcorp
Classification: Uncertain significance. Last evaluated: 2022-12-15. Review status: criteria provided, single submitter. Criteria: Invitae Variant Classification Sherloc (09022015). Collection method: clinical testing. Allele origin: germline.
Comment: This sequence change replaces isoleucine, which is neutral and non-polar, with valine, which is neutral and non-polar, at codon 413 of the SLC7A14 protein (p.Ile413Val). This variant is present in population databases (rs201447154, gnomAD 0.01%). This variant has not been reported in the literature in individuals affected with SLC7A14-related conditions. ClinVar contains an entry for this variant (Variation ID: 1347729). Algorithms developed to predict the effect of missense changes on protein structure and function are either unavailable or do not agree on the potential impact of this missense change (SIFT: "Tolerated"; PolyPhen-2: "Probably Damaging"; Align-GVGD: "Class C0"). In summary, the available evidence is currently insufficient to determine the role of this variant in disease. Therefore, it has been classified as a Variant of Uncertain Significance.

NM_020949.3(SLC7A14):c.1237A>G (p.Ile413Val)

Genes: SLC7A14 (solute carrier family 7 member 14; minus strand), SLC7A14-AS1 (SLC7A14 antisense RNA 1; plus strand). Cytogenetic location: 3q26.2.
Variant type: single nucleotide variant.
Coding change: c.1237A>G on transcript NM_020949.3 (MANE Select); coding-DNA position 1237, A replaced by G.
Protein change: p.Ile413Val; replaces isoleucine 413 with valine.
Molecular consequence: missense variant.
Genome position (GRCh38, 1-based): chr3:170,481,045, T>C on the plus strand (A>G on the coding strand, the complement: SLC7A14 is on the minus strand). VCF-style: chr3-170481045-T-C. GRCh37 (hg19) VCF-style: chr3-170198834-T-C.
Other names: short protein forms I413V.
Identifiers: ClinVar variation 1347729 (VCV001347729.6), dbSNP rs201447154, ClinGen allele CA2701661.